The following is an entry in ClinVar:

ClinVar aggregate classification (germline): Likely benign (0 of 4 stars; one submission).

Conditions:
CHMP4B-related disorder. Also called: CHMP4B-related condition.

Allele frequency attached by ClinVar (database versions not stated): gnomAD exomes 0.00001; ExAC 0.00002; gnomAD 0.00004; TOPMed 0.00006; 1000 Genomes Project 30x 0.00016; 1000 Genomes Project 0.00020.
gnomAD v4.1: 26 of 1,614,040 alleles (0.0016%); highest among the groups gnomAD compares: East Asian, 0.049%; no homozygotes.

Submission:

PreventionGenetics, part of Exact Sciences
Classification: Likely benign for CHMP4B-related condition. Last evaluated: 2024-01-08. Review status: no assertion criteria provided. Collection method: clinical testing. Allele origin: germline.
Comment: This variant is classified as likely benign based on ACMG/AMP sequence variant interpretation guidelines (Richards et al. 2015 PMID: 25741868, with internal and published modifications).

NM_176812.5(CHMP4B):c.610+9T>C

Gene: CHMP4B (charged multivesicular body protein 4B; plus strand). Cytogenetic location: 20q11.22.
Variant type: single nucleotide variant.
Coding change: c.610+9T>C on transcript NM_176812.5 (MANE Select); 9 bases into the intron after coding-DNA position 610, T replaced by C.
Molecular consequence: intron variant.
Genome position (GRCh38, 1-based): chr20:33,852,212, T>C. VCF-style: chr20-33852212-T-C. GRCh37 (hg19) VCF-style: chr20-32440018-T-C.
Identifiers: ClinVar variation 3029866 (VCV003029866.2), dbSNP rs116896055, ClinGen allele CA9819993.
Genomic context (GRCh38, chr20:33,852,212, plus strand): 5'-GAAACAGTCCCTCTACCAAATGTTCCCTCTATAGCCCTACCATCAAAACCCGGTGAGTGC[T>C]TCTAGAGTCATGGCACACCGTGAGGTCATGTGGCAGGTGATCTTGTGGTCGGTTGGCTTT-3'